The following is an entry in ClinVar:

NC_000016.10:g.1602592del

Genes: IFT140 (intraflagellar transport 140; minus strand), LOC105371046 (uncharacterized LOC105371046; plus strand). Cytogenetic location: 16p13.3.
Variant type: Deletion.
Genome position: GRCh38 VCF-style: chr16-1602587-TC-T. GRCh37 (hg19) VCF-style: chr16-1652588-TC-T.
Identifiers: ClinVar variation 1975503 (VCV001975503.3), dbSNP rs2035852852, ClinGen allele CA2201750975.

ClinVar aggregate classification (germline): Pathogenic (1 of 4 stars; one submission).

Conditions:
Saldino-Mainzer syndrome (SRTD9). Also called: Renal dysplasia, retinal pigmentary dystrophy, cerebellar ataxia and skeletal dysplasia; CONORENAL SYNDROME; short-rib thoracic dysplasia 9 with or without polydactyly; SHORT-RIB THORACIC DYSPLASIA 9 WITHOUT POLYDACTYLY. Identifiers: Orphanet 140969, MedGen C1849437, MONDO:0009964, OMIM 266920.

Submission:

Labcorp Genetics (formerly Invitae), Labcorp
Classification: Pathogenic for Saldino-Mainzer syndrome. Last evaluated: 2021-10-17. Review status: criteria provided, single submitter. Criteria: Invitae Variant Classification Sherloc (09022015). Collection method: clinical testing. Allele origin: germline.
Comment: This sequence change creates a premature translational stop signal (p.Glu51Serfs*35) in the IFT140 gene. It is expected to result in an absent or disrupted protein product. Loss-of-function variants in IFT140 are known to be pathogenic (PMID: 22503633, 23418020, 24009529, 26216056). This variant is not present in population databases (ExAC no frequency). This variant has not been reported in the literature in individuals affected with IFT140-related conditions. For these reasons, this variant has been classified as Pathogenic.

Literature cited by the submitters: PubMed 22503633; PubMed 23418020; PubMed 24009529; PubMed 26216056.